The following is an entry in ClinVar:

NM_001353921.2(ARHGEF9):c.871A>T (p.Ile291Phe)

Gene: ARHGEF9 (Cdc42 guanine nucleotide exchange factor 9; minus strand). Cytogenetic location: Xq11.1.
Variant type: single nucleotide variant.
Coding change: c.871A>T on transcript NM_001353921.2 (MANE Select); coding-DNA position 871, A replaced by T.
Protein change: p.Ile291Phe; replaces isoleucine 291 with phenylalanine.
Molecular consequence: missense variant.
Genome position (GRCh38, 1-based): chrX:63,674,112, T>A on the plus strand (A>T on the coding strand, the complement: ARHGEF9 is on the minus strand). VCF-style: chrX-63674112-T-A. GRCh37 (hg19) VCF-style: chrX-62893992-T-A.
Other names: c.691A>T, p.Ile231Phe (NM_001173479.2); c.544A>T, p.Ile182Phe (NM_001173480.2, NM_001369042.1); c.787A>T, p.Ile263Phe (NM_001330495.2, NM_001353927.2, NM_001369033.1 and 8 more transcripts); c.871A>T, p.Ile291Phe (NM_001353922.2); c.889A>T, p.Ile297Phe (NM_001353923.1); c.670A>T, p.Ile224Phe (NM_001353924.2, NM_001353926.2, NM_001369039.1 and 1 more transcripts); c.850A>T, p.Ile284Phe (NM_001353928.2, NM_001369030.1, NM_001369031.1 and 2 more transcripts); c.436A>T, p.Ile146Phe (NM_001369045.1); short protein forms I146F, I182F, I224F, I231F, I263F, I284F, I291F, I297F.
Identifiers: ClinVar variation 3769993 (VCV003769993.1).

ClinVar aggregate classification (germline): Uncertain significance (1 of 4 stars; one submission).

Submission:

GeneDx
Classification: Uncertain significance. Last evaluated: 2024-09-12. Review status: criteria provided, single submitter. Criteria: GeneDx Variant Classification Process June 2021. Collection method: clinical testing. Allele origin: germline. Affected: yes.
Comment: Not observed at significant frequency in large population cohorts (gnomAD); In silico analysis supports that this missense variant has a deleterious effect on protein structure/function; Has not been previously published as pathogenic or benign to our knowledge